The following is an entry in ClinVar:

NM_000535.7(PMS2):c.1011T>C (p.Thr337=)

Gene: PMS2 (PMS1 homolog 2, mismatch repair system component; minus strand). Cytogenetic location: 7p22.1.
Variant type: single nucleotide variant.
Coding change: c.1011T>C on transcript NM_000535.7 (MANE Select); coding-DNA position 1011, T replaced by C.
Protein change: p.Thr337=; no amino-acid change (threonine 337 retained).
Molecular consequence: synonymous variant. On other transcripts: non-coding transcript variant (1), intron variant (2).
Genome position (GRCh38, 1-based): chr7:5,989,933, A>G on the plus strand (T>C on the coding strand, the complement: PMS2 is on the minus strand). VCF-style: chr7-5989933-A-G. GRCh37 (hg19) VCF-style: chr7-6029564-A-G.
Other names: c.606T>C, p.Thr202= (NM_001322003.2, NM_001322004.2, NM_001322005.2 and 1 more transcripts); c.693T>C, p.Thr231= (NM_001322007.2, NM_001322008.2); c.78T>C, p.Thr26= (NM_001322011.2, NM_001322012.2); c.438T>C, p.Thr146= (NM_001322013.2); c.1011T>C, p.Thr337= (NM_001322014.2); c.702T>C, p.Thr234= (NM_001322015.2); c.583+2040T>C (NM_001322010.2); c.988+2040T>C (NM_001322006.2).
Identifiers: ClinVar variation 455632 (VCV000455632.16), dbSNP rs1353232685, ClinGen allele CA453644246.

ClinVar aggregate classification (germline): Benign/Likely benign. Review status: criteria provided, multiple submitters, no conflicts (2 of 4 stars). 3 submissions from 3 submitters: Benign (1); Likely benign (2). Last evaluated 2025-09-03.

Conditions:
Hereditary nonpolyposis colorectal neoplasms. Identifiers: MedGen C0009405, MeSH D003123.
Hereditary cancer-predisposing syndrome. Also called: Hereditary Cancer Syndrome; Hereditary neoplastic syndrome; Neoplastic Syndromes, Hereditary; Tumor predisposition. Identifiers: Orphanet 140162, MedGen C0027672, MeSH D009386, MONDO:0015356.
Lynch syndrome 4 (LYNCH4). Also called: Colorectal cancer, hereditary nonpolyposis, type 4; Hereditary non-polyposis colorectal cancer, type 4. Identifiers: Orphanet 144, MedGen C1838333, MONDO:0013699, OMIM 614337. Disease mechanism: loss of function.

gnomAD v4.1: 13 of 1,609,168 alleles (0.00081%); highest among the groups gnomAD compares: Non-Finnish European, 0.0011%; no homozygotes.

Submissions (3):

Labcorp Genetics (formerly Invitae), Labcorp
Classification: Likely benign for Hereditary nonpolyposis colorectal neoplasms. Last evaluated: 2025-09-03. Review status: criteria provided, single submitter. Criteria: Invitae Variant Classification Sherloc (09022015). Collection method: clinical testing. Allele origin: germline.

Myriad Genetics, Inc.
Classification: Benign for Lynch syndrome 4. Last evaluated: 2025-01-29. Review status: criteria provided, single submitter. Criteria: Myriad Autosomal Dominant, Autosomal Recessive and X-Linked Classification Criteria (2023). Collection method: clinical testing. Allele origin: unknown.
Comment: This variant is considered benign. This variant is a silent/synonymous amino acid change and it is not expected to impact splicing.

Ambry Genetics
Classification: Likely benign for Hereditary cancer-predisposing syndrome. Last evaluated: 2019-12-07. Review status: criteria provided, single submitter. Criteria: Ambry Variant Classification Scheme 2023. Collection method: clinical testing. Allele origin: germline.